The following is an entry in ClinVar:

NM_000091.5(COL4A3):c.4041C>A (p.Asp1347Glu)

Genes: MFF-DT (MFF divergent transcript; minus strand), COL4A3 (collagen type IV alpha 3 chain; plus strand). Cytogenetic location: 2q36.3.
Variant type: single nucleotide variant.
Coding change: c.4041C>A on transcript NM_000091.5 (MANE Select); coding-DNA position 4041, C replaced by A.
Protein change: p.Asp1347Glu; replaces aspartic acid 1347 with glutamic acid.
Molecular consequence: missense variant.
Genome position (GRCh38, 1-based): chr2:227,304,032, C>A. VCF-style: chr2-227304032-C-A. GRCh37 (hg19) VCF-style: chr2-228168748-C-A.
Other names: short protein forms D1347E.
Identifiers: ClinVar variation 334780 (VCV000334780.27), dbSNP rs73996414, ClinGen allele CA2147439.
Genomic context (GRCh38, chr2:227,304,032, plus strand): 5'-AACACATCCGTGAGGCCATCATCTTCTTCTTATGTTTATGTCAACAGGTGTACGTGGAGA[C>A]CCTGGCACACTTAAGATTATCTCCCTTCCAGGAAGCCCAGGGCCACCTGGCACACCTGGA-3'
Protein context (NP_000082.2, residues 1337-1357): GPKGPPGVRG[Asp1347Glu]PGTLKIISLP

ClinVar aggregate classification (germline): Benign/Likely benign. Review status: criteria provided, multiple submitters, no conflicts (2 of 4 stars). 11 submissions from 11 submitters: Benign (7); Likely benign (2). 2 of the submissions do not count toward it. Last evaluated 2026-02-04.

Conditions:
Atypical hemolytic-uremic syndrome. Identifiers: Orphanet 2134, MedGen C2931788, MONDO:0016244.
Alport syndrome. Also called: Hemorrhagic familial nephritis; Hemorrhagic hereditary nephritis; Congenital hereditary hematuria. Identifiers: Orphanet 63, MedGen C1567741, MONDO:0018965.

Allele frequency attached by ClinVar (database versions not stated): gnomAD exomes 0.00640; ExAC 0.00778; 1000 Genomes Project 0.01997; 1000 Genomes Project 30x 0.02186; gnomAD 0.02376 and 0.02579; ESP Exome Variant Server 0.02696; TOPMed 0.02760.
gnomAD v4.1: 7,415 of 1,614,098 alleles (0.46%); highest among the groups gnomAD compares: African/African-American, 8.1%; 256 homozygotes.

Submissions (11):

Labcorp Genetics (formerly Invitae), Labcorp
Classification: Benign. Last evaluated: 2026-02-04. Review status: criteria provided, single submitter. Criteria: Invitae Variant Classification Sherloc (09022015). Collection method: clinical testing. Allele origin: germline.

Mayo Clinic Laboratories, Mayo Clinic
Classification: Likely benign. Last evaluated: 2025-03-21. Review status: criteria provided, single submitter. Criteria: ACMG Guidelines, 2015. Collection method: clinical testing. Allele origin: germline. Observed: 10 variant alleles.
Comment: BA1, BS2

Blueprint Genetics
Classification: Likely benign. Last evaluated: 2024-11-26. Review status: criteria provided, single submitter. Criteria: ACMG Guidelines, 2015. Collection method: clinical testing. Allele origin: germline.

Genome Diagnostics Laboratory, The Hospital for Sick Children
Classification: Benign for Atypical hemolytic-uremic syndrome. Last evaluated: 2022-07-07. Review status: criteria provided, single submitter. Criteria: ACMG Guidelines, 2015. Collection method: clinical testing. Allele origin: germline.

Illumina Laboratory Services, Illumina
Classification: Benign for Alport syndrome. Last evaluated: 2018-01-13. Review status: criteria provided, single submitter. Criteria: ICSL Variant Classification Criteria 13 December 2019. Collection method: clinical testing. Allele origin: germline.
Comment: This variant was observed in the ICSL laboratory as part of a predisposition screen in an ostensibly healthy population. It had not been previously curated by ICSL or reported in the Human Gene Mutation Database (HGMD: prior to June 1st, 2018), and was therefore a candidate for classification through an automated scoring system. Utilizing variant allele frequency, disease prevalence and penetrance estimates, and inheritance mode, an automated score was calculated to assess if this variant is too frequent to cause the disease. Based on the score and internal cut-off values, a variant classified as benign is not then subjected to further curation. The score for this variant resulted in a classification of benign for this disease.

GeneDx
Classification: Benign. Last evaluated: 2017-08-22. Review status: criteria provided, single submitter. Criteria: GeneDx Variant Classification (06012015). Collection method: clinical testing. Allele origin: germline. Affected: yes.
Comment: This variant is considered likely benign or benign based on one or more of the following criteria: it is a conservative change, it occurs at a poorly conserved position in the protein, it is predicted to be benign by multiple in silico algorithms, and/or has population frequency not consistent with disease.

Athena Diagnostics
Classification: Benign. Last evaluated: 2017-06-01. Review status: criteria provided, single submitter. Criteria: Athena Diagnostics Criteria. Collection method: clinical testing. Allele origin: unknown.

Laboratory for Molecular Medicine, Mass General Brigham Personalized Medicine
Classification: Benign. Last evaluated: 2016-03-21. Review status: criteria provided, single submitter. Criteria: LMM Criteria. Collection method: clinical testing. Allele origin: germline. Observed: 9 variant alleles.
Comment: p.Asp1347Glu in exon 46 of COL4A3: This variant is not expected to have clinical significance because it has been identified in 8.37% (820/9794) of African chro mosomes by the Exome Aggregation Consortium (ExAC, g; dbSNP rs73996414).

Breakthrough Genomics
Classification: Benign. Review status: criteria provided, single submitter. Criteria: ACMG Guidelines, 2015. Collection method: not provided. Allele origin: germline. Inheritance: Autosomal recessive inheritance. Affected: yes.

Joint Genome Diagnostic Labs from Nijmegen and Maastricht, Radboudumc and MUMC+
Classification: Likely benign. Review status: no assertion criteria provided. Collection method: clinical testing. Allele origin: germline. Affected: yes. Study: VKGL Data-share Consensus. Not counted in ClinVar's aggregate classification.

Laboratory of Diagnostic Genome Analysis, Leiden University Medical Center (LUMC)
Classification: Likely benign. Review status: no assertion criteria provided. Collection method: clinical testing. Allele origin: germline. Affected: yes. Study: VKGL Data-share Consensus. Not counted in ClinVar's aggregate classification.

Literature cited by the submitters: PubMed 12028435 (cited by Mayo Clinic Laboratories, Mayo Clinic).